The following is an entry in ClinVar:

ClinVar aggregate classification (germline): Uncertain significance (1 of 4 stars; one submission).

Submission:

Labcorp Genetics (formerly Invitae), Labcorp
Classification: Uncertain significance. Last evaluated: 2023-03-28. Review status: criteria provided, single submitter. Criteria: Invitae Variant Classification Sherloc (09022015). Collection method: clinical testing. Allele origin: germline.
Comment: This sequence change replaces leucine, which is neutral and non-polar, with valine, which is neutral and non-polar, at codon 110 of the ERBB4 protein (p.Leu110Val). This variant is not present in population databases (gnomAD no frequency). This variant has not been reported in the literature in individuals affected with ERBB4-related conditions. Advanced modeling of protein sequence and biophysical properties (such as structural, functional, and spatial information, amino acid conservation, physicochemical variation, residue mobility, and thermodynamic stability) has been performed at Invitae for this missense variant, however the output from this modeling did not meet the statistical confidence thresholds required to predict the impact of this variant on ERBB4 protein function. In summary, the available evidence is currently insufficient to determine the role of this variant in disease. Therefore, it has been classified as a Variant of Uncertain Significance.

NM_005235.3(ERBB4):c.328C>G (p.Leu110Val)

Gene: ERBB4 (erb-b2 receptor tyrosine kinase 4; minus strand). Cytogenetic location: 2q34.
Variant type: single nucleotide variant.
Coding change: c.328C>G on transcript NM_005235.3 (MANE Select); coding-DNA position 328, C replaced by G.
Protein change: p.Leu110Val; replaces leucine 110 with valine.
Molecular consequence: missense variant.
Genome position (GRCh38, 1-based): chr2:211,947,523, G>C on the plus strand (C>G on the coding strand, the complement: ERBB4 is on the minus strand). VCF-style: chr2-211947523-G-C. GRCh37 (hg19) VCF-style: chr2-212812248-G-C.
Other names: c.328C>G, p.Leu110Val (NM_001042599.2); short protein forms L110V.
Identifiers: ClinVar variation 2850542 (VCV002850542.3), dbSNP rs1372768089, ClinGen allele CA350782291.
Genomic context (GRCh38, chr2:211,947,523, plus strand): 5'-CAAAGTTTCCATCTTTTCTGTAGTTTAAAAATATTGCCAAGGCATATCGATCCTCATAAA[G>C]TTTTGTCCCACGAATAATGCGTAAATTCTCCAGAGGCAGGTAACGAAACTGATTAAGAGC-3'
Protein context (NP_005226.1, residues 100-120): ENLRIIRGTK[Leu110Val]YEDRYALAIF